The following is an entry in ClinVar:

ClinVar aggregate classification (germline): Uncertain significance (1 of 4 stars; one submission).

gnomAD v4.1: 1 of 1,614,214 alleles (0.000062%); highest among the groups gnomAD compares: African/African-American, 0.0013%; no homozygotes.

Submission:

CeGaT Center for Human Genetics Tuebingen
Classification: Uncertain significance. Last evaluated: 2022-09-01. Review status: criteria provided, single submitter. Criteria: CeGaT Center For Human Genetics Tuebingen Variant Classification Criteria Version 2. Collection method: clinical testing. Allele origin: germline. Affected: yes. Observed: 1 variant allele.
Comment: TWNK: PM2, PP3

NM_021830.5(TWNK):c.607A>C (p.Ser203Arg)

Gene: TWNK (twinkle mtDNA helicase; plus strand). Cytogenetic location: 10q24.31.
Variant type: single nucleotide variant.
Coding change: c.607A>C on transcript NM_021830.5 (MANE Select); coding-DNA position 607, A replaced by C.
Protein change: p.Ser203Arg; replaces serine 203 with arginine.
Molecular consequence: missense variant. On other transcripts: non-coding transcript variant (4), intron variant (3).
Genome position (GRCh38, 1-based): chr10:100,988,817, A>C. VCF-style: chr10-100988817-A-C. GRCh37 (hg19) VCF-style: chr10-102748574-A-C.
Other names: c.-119-827A>C (NM_001163814.2, NM_001163813.2); c.-57-889A>C (NM_001368275.1); c.607A>C, p.Ser203Arg (NM_001163812.2); short protein forms S203R.
Identifiers: ClinVar variation 2640762 (VCV002640762.24), dbSNP rs563671198, ClinGen allele CA212962878.